The following is an entry in ClinVar:

NM_001005242.3(PKP2):c.2176A>T (p.Thr726Ser)

Gene: PKP2 (plakophilin 2; minus strand). Cytogenetic location: 12p11.21.
Variant type: single nucleotide variant.
Coding change: c.2176A>T on transcript NM_001005242.3 (MANE Select); coding-DNA position 2176, A replaced by T.
Protein change: p.Thr726Ser; replaces threonine 726 with serine.
Molecular consequence: missense variant.
Genome position (GRCh38, 1-based): chr12:32,796,290, T>A on the plus strand (A>T on the coding strand, the complement: PKP2 is on the minus strand). VCF-style: chr12-32796290-T-A. GRCh37 (hg19) VCF-style: chr12-32949224-T-A.
Other names: c.2308A>T, p.Thr770Ser (NM_004572.4); short protein forms T726S, T770S.
Identifiers: ClinVar variation 1424538 (VCV001424538.8), dbSNP rs1249551566, ClinGen allele CA384357958.

ClinVar aggregate classification (germline): Uncertain significance. Review status: criteria provided, multiple submitters, no conflicts (2 of 4 stars). 2 submissions from 2 submitters: Uncertain significance (2). Last evaluated 2025-10-13.

Conditions:
Arrhythmogenic right ventricular dysplasia 9 (ARVD9). Also called: Arrhythmogenic Right Ventricular Dysplasia/Cardiomyopathy 9; ARRHYTHMOGENIC RIGHT VENTRICULAR DYSPLASIA, FAMILIAL, 9. Identifiers: MedGen C1836906, MONDO:0012180, OMIM 609040.

Allele frequency attached by ClinVar (database versions not stated): gnomAD 0.00001; TOPMed 0.00001.
gnomAD v4.1: 1 of 1,611,146 alleles (0.000062%); highest among the groups gnomAD compares: African/African-American, 0.0013%; no homozygotes.

Submissions (2):

Labcorp Genetics (formerly Invitae), Labcorp
Classification: Uncertain significance for Arrhythmogenic right ventricular dysplasia 9. Last evaluated: 2025-10-13. Review status: criteria provided, single submitter. Criteria: Invitae Variant Classification Sherloc (09022015). Collection method: clinical testing. Allele origin: germline.
Comment: This sequence change replaces threonine, which is neutral and polar, with serine, which is neutral and polar, at codon 770 of the PKP2 protein (p.Thr770Ser). This variant is not present in population databases (gnomAD no frequency). This variant has not been reported in the literature in individuals affected with PKP2-related conditions. ClinVar contains an entry for this variant (Variation ID: 1424538). An algorithm developed to predict the effect of missense changes on protein structure and function (PolyPhen-2) suggests that this variant is likely to be disruptive. In summary, the available evidence is currently insufficient to determine the role of this variant in disease. Therefore, it has been classified as a Variant of Uncertain Significance.

GeneDx
Classification: Uncertain significance. Last evaluated: 2022-07-28. Review status: criteria provided, single submitter. Criteria: GeneDx Variant Classification Process June 2021. Collection method: clinical testing. Allele origin: germline. Affected: yes.
Comment: Not observed at significant frequency in large population cohorts (gnomAD); In silico analysis supports that this missense variant does not alter protein structure/function; Has not been previously published as pathogenic or benign to our knowledge